The following is an entry in ClinVar:

ClinVar aggregate classification (germline): Uncertain significance (1 of 4 stars; one submission).

Submission:

GeneDx
Classification: Uncertain significance. Last evaluated: 2026-03-09. Review status: criteria provided, single submitter. Criteria: GeneDx Variant Classification Process June 2021. Collection method: clinical testing. Allele origin: germline.
Comment: Not observed at significant frequency in large population cohorts (gnomAD); In silico analysis suggests that this missense variant does not alter protein structure/function; Has not been previously published as pathogenic or benign to our knowledge

NM_001202.6(BMP4):c.445G>C (p.Glu149Gln)

Gene: BMP4 (bone morphogenetic protein 4; minus strand). Cytogenetic location: 14q22.2.
Variant type: single nucleotide variant.
Coding change: c.445G>C on transcript NM_001202.6 (MANE Select); coding-DNA position 445, G replaced by C.
Protein change: p.Glu149Gln; replaces glutamic acid 149 with glutamine.
Molecular consequence: missense variant.
Genome position (GRCh38, 1-based): chr14:53,950,814, C>G on the plus strand (G>C on the coding strand, the complement: BMP4 is on the minus strand). VCF-style: chr14-53950814-C-G. GRCh37 (hg19) VCF-style: chr14-54417532-C-G.
Other names: c.586G>C, p.Glu196Gln (NM_001347912.1); c.256G>C, p.Glu86Gln (NM_001347913.2, NM_001347915.2, NM_001347917.1); c.445G>C, p.Glu149Gln (NM_001347914.2, NM_001347916.1, NM_130850.5 and 1 more transcripts); short protein forms E196Q, E86Q, E149Q.
Identifiers: ClinVar variation 5008877 (VCV005008877.1).